The following is an entry in ClinVar:

GRCh38/hg38 Xp22.31(chrX:6568448-8188133)x0

Genes: MIR4767 (microRNA 4767; plus strand), MIR651 (microRNA 651; plus strand), PNPLA4 (patatin like domain 4, phospholipase and triacylglycerol lipase; minus strand), PUDP (pseudouridine 5'-phosphatase; minus strand), STS (steroid sulfatase; plus strand) and 23 more. Cytogenetic location: Xp22.31.
Variant type: copy number loss.
Change: copy number 0 of chrX:6,568,448-8,188,133 (1.62 Mb, GRCh38 coordinates, 1-based), cytogenetic band Xp22.31.
Identifiers: ClinVar variation 4880501 (VCV004880501.1).

ClinVar aggregate classification (germline): Pathogenic (1 of 4 stars; one submission).

Conditions:
X-linked ichthyosis with steryl-sulfatase deficiency (XLI). Also called: Recessive X-linked ichthyosis; PLACENTAL STEROID SULFATASE DEFICIENCY; STEROID SULFATASE DEFICIENCY; STEROID SULFATASE DEFICIENCY DISEASE; STS DEFICIENCY; Ichthyosis, X-Linked. Identifiers: Orphanet 461, MedGen C0079588, MONDO:0010622, OMIM 308100.

Submission:

Department of Medical Genetics, Ordu University Medical School Training and Research Hospital
Classification: Pathogenic for X-linked ichthyosis. Last evaluated: 2026-07-30. Review status: criteria provided, single submitter. Criteria: ACMG/ClinGen CNV Guidelines, 2019. Collection method: clinical testing. Allele origin: de novo. Affected: yes. Observed: 1 variant allele.
Comment: Recurrent Xp22.31 deletion encompassing STS, approximately 1.6 Mb; completely overlaps the ClinGen Xp22.31 recurrent region and completely contains STS, which has a ClinGen haploinsufficiency score of 3. Shown to be de novo. Coordinates converted from the original GRCh37 array call (chrX:6,486,489-8,156,174) to GRCh38 by assembly mapping. Scored using the ACMG/ClinGen technical standard for copy-number variant interpretation: established haploinsufficient region completely contained within the interval.